The following is an entry in ClinVar:

ClinVar aggregate classification (germline): Likely pathogenic (1 of 4 stars; one submission).

Submission:

GeneDx
Classification: Likely pathogenic. Last evaluated: 2024-04-17. Review status: criteria provided, single submitter. Criteria: GeneDx Variant Classification Process June 2021. Collection method: clinical testing. Allele origin: germline. Affected: yes.
Comment: Not observed at significant frequency in large population cohorts (gnomAD); Canonical splice site variant predicted to result in an in-frame loss of the adjacent exon in a gene for which loss of function is a known mechanism of disease; This variant is associated with the following publications: (PMID: 32368696)

NM_012062.5(DNM1L):c.298-1G>C

Gene: DNM1L (dynamin 1 like; plus strand). Cytogenetic location: 12p11.21.
Variant type: single nucleotide variant.
Coding change: c.298-1G>C on transcript NM_012062.5 (MANE Select); the canonical splice acceptor site of the intron before coding-DNA position 298, G replaced by C.
Molecular consequence: splice acceptor variant. On other transcripts: intron variant (1).
Genome position (GRCh38, 1-based): chr12:32,708,152, G>C. VCF-style: chr12-32708152-G-C. GRCh37 (hg19) VCF-style: chr12-32861086-G-C.
Other names: c.337-1G>C (NM_001278464.2, NM_001278465.2, NM_001330380.2); c.131+739G>C (NM_001278466.2); c.298-1G>C (NM_001278463.2, NM_012063.4, NM_005690.5).
Identifiers: ClinVar variation 3365212 (VCV003365212.1).